The following is an entry in ClinVar:

ClinVar aggregate classification (germline): Pathogenic (1 of 4 stars; one submission).

Conditions:
Hereditary cancer-predisposing syndrome. Also called: Neoplastic Syndromes, Hereditary; Tumor predisposition; Hereditary Cancer Syndrome; Hereditary neoplastic syndrome. Identifiers: Orphanet 140162, MedGen C0027672, MeSH D009386, MONDO:0015356.

Submission:

Ambry Genetics
Classification: Pathogenic for Hereditary cancer-predisposing syndrome. Last evaluated: 2024-08-01. Review status: criteria provided, single submitter. Criteria: Ambry Variant Classification Scheme 2023. Collection method: clinical testing. Allele origin: germline.
Comment: The c.1240delG pathogenic mutation, located in coding exon 11 of the PMS2 gene, results from a deletion of one nucleotide at nucleotide position 1240, causing a translational frameshift with a predicted alternate stop codon (p.D414Tfs*34). This variant is considered to be rare based on population cohorts in the Genome Aggregation Database (gnomAD). This alteration is expected to result in loss of function by premature protein truncation or nonsense-mediated mRNA decay. As such, this alteration is interpreted as a disease-causing mutation.

NM_000535.7(PMS2):c.1240del (p.Asp414fs)

Gene: PMS2 (PMS1 homolog 2, mismatch repair system component; minus strand). Cytogenetic location: 7p22.1.
Variant type: Deletion.
Coding change: c.1240del on transcript NM_000535.7 (MANE Select); coding-DNA position 1240, one base deleted (G; older notation c.1240delG).
Protein change: p.Asp414fs; shifts the reading frame from aspartic acid 414.
Molecular consequence: frameshift variant. On other transcripts: non-coding transcript variant (1), intron variant (1).
Genome position (GRCh38, 1-based): chr7:5,987,525, C deleted on the plus strand (G on the coding strand, the reverse complement: PMS2 is on the minus strand). VCF-style (leftmost placement, unchanged base first): chr7-5987524-TC-T. GRCh37 (hg19) VCF-style: chr7-6027155-TC-T.
Other names: c.835del, p.Asp279fs (NM_001322003.2, NM_001322004.2, NM_001322005.2 and 16 more transcripts); c.1084del, p.Asp362fs (NM_001322006.2, NM_001406870.1); c.922del, p.Asp308fs (NM_001322007.2, NM_001322008.2, NM_001406876.1 and 2 more transcripts); c.679del, p.Asp227fs (NM_001322010.2, NM_001406906.1, NM_001406907.1); c.307del, p.Asp103fs (NM_001322011.2, NM_001322012.2); c.667del, p.Asp223fs (NM_001322013.2, NM_001406909.1); c.1240del, p.Asp414fs (NM_001322014.2, NM_001406871.1, NM_001406872.1); c.931del, p.Asp311fs (NM_001322015.2, NM_001406875.1, NM_001406877.1 and 5 more transcripts); and 13 more; short protein forms D157fs, D279fs, D292fs, D306fs, D362fs, D378fs, D476fs, D243fs.
Identifiers: ClinVar variation 3421472 (VCV003421472.1).